The following is an entry in ClinVar:

NM_139021.3(MAPK15):c.1117G>C (p.Ala373Pro)

Gene: MAPK15 (mitogen-activated protein kinase 15; plus strand). Cytogenetic location: 8q24.3.
Variant type: single nucleotide variant.
Coding change: c.1117G>C on transcript NM_139021.3 (MANE Select); coding-DNA position 1117, G replaced by C.
Protein change: p.Ala373Pro; replaces alanine 373 with proline.
Molecular consequence: missense variant.
Genome position (GRCh38, 1-based): chr8:143,721,324, G>C. VCF-style: chr8-143721324-G-C. GRCh37 (hg19) VCF-style: chr8-144803494-G-C.
Other names: short protein forms A373P.
Identifiers: ClinVar variation 2658906 (VCV002658906.24), dbSNP rs140439631, ClinGen allele CA4916643.

ClinVar aggregate classification (germline): Likely benign (1 of 4 stars; one submission).

Allele frequency attached by ClinVar (database versions not stated): 1000 Genomes Project 30x 0.00016; 1000 Genomes Project 0.00020; gnomAD exomes 0.00125; gnomAD 0.00129; TOPMed 0.00146; ExAC 0.00181; ESP Exome Variant Server 0.00187.

Submission:

CeGaT Center for Human Genetics Tuebingen
Classification: Likely benign. Last evaluated: 2022-11-01. Review status: criteria provided, single submitter. Criteria: CeGaT Center For Human Genetics Tuebingen Variant Classification Criteria Version 2. Collection method: clinical testing. Allele origin: germline. Affected: yes. Observed: 1 variant allele.
Comment: MAPK15: BP4, BS2